The following is an entry in ClinVar:

NM_002948.5(RPL15):c.44A>G (p.Gln15Arg)

Genes: NKIRAS1 (NFKB inhibitor interacting Ras like 1; minus strand), RPL15 (ribosomal protein L15; plus strand). Cytogenetic location: 3p24.2.
Variant type: single nucleotide variant.
Coding change: c.44A>G on transcript NM_002948.5 (MANE Select); coding-DNA position 44, A replaced by G.
Protein change: p.Gln15Arg; replaces glutamine 15 with arginine.
Molecular consequence: missense variant. On other transcripts: intron variant (1).
Genome position (GRCh38, 1-based): chr3:23,917,903, A>G. VCF-style: chr3-23917903-A-G. GRCh37 (hg19) VCF-style: chr3-23959394-A-G.
Other names: c.44A>G, p.Gln15Arg (NM_001253379.2, NM_001253380.2, NM_001253382.2 and 2 more transcripts); c.-139-6453T>C (NM_001377380.1); short protein forms Q15R.
Identifiers: ClinVar variation 4732760 (VCV004732760.1).

ClinVar aggregate classification (germline): Uncertain significance (1 of 4 stars; one submission).

Submission:

Labcorp Genetics (formerly Invitae), Labcorp
Classification: Uncertain significance. Last evaluated: 2025-12-13. Review status: criteria provided, single submitter. Criteria: Invitae Variant Classification Sherloc (09022015). Collection method: clinical testing. Allele origin: germline.
Comment: This sequence change replaces glutamine, which is neutral and polar, with arginine, which is basic and polar, at codon 15 of the RPL15 protein (p.Gln15Arg). This variant is not present in population databases (gnomAD no frequency). This variant has not been reported in the literature in individuals affected with RPL15-related conditions. An algorithm developed to predict the effect of missense changes on protein structure and function (PolyPhen-2) suggests that this variant is likely to be tolerated. In summary, the available evidence is currently insufficient to determine the role of this variant in disease. Therefore, it has been classified as a Variant of Uncertain Significance.